The following is an entry in ClinVar:

NM_001130004.2(ACTN1):c.-10G>A

Gene: ACTN1 (actinin alpha 1; minus strand). Cytogenetic location: 14q24.1.
Variant type: single nucleotide variant.
Coding change: c.-10G>A on transcript NM_001130004.2 (MANE Select); 10 bases upstream of the start codon, G replaced by A.
Molecular consequence: 5 prime UTR variant.
Genome position (GRCh38, 1-based): chr14:68,979,066, C>T on the plus strand (G>A on the coding strand, the complement: ACTN1 is on the minus strand). VCF-style: chr14-68979066-C-T. GRCh37 (hg19) VCF-style: chr14-69445783-C-T.
Other names: c.-10G>A (NM_001102.4, NM_001130005.2, NM_001411035.1 and 10 more transcripts); c.-920G>A (NM_001424030.1).
Identifiers: ClinVar variation 4988965 (VCV004988965.1).
Genomic context (GRCh38, chr14:68,979,066, plus strand): 5'-CTCTTCTGGCTGCATGTAATCGTTGGTTTGCTGAGAATCATAATGGTCCATGATGGTGCG[C>T]GCGTGCTAGGGTCTGGATTTCTTCCTCCACCTTCTCTCTGAGCAACGGCTGCTGCCCTGG-3'

ClinVar aggregate classification (germline): Likely benign (1 of 4 stars; one submission).

Conditions:
ACTN1-related disorder. Also called: ACTN1-related condition.

gnomAD v4.1: 8 of 1,544,786 alleles (0.00052%); highest among the groups gnomAD compares: Admixed American, 0.0053%; no homozygotes.

Submission:

PreventionGenetics, part of Exact Sciences
Classification: Likely benign for ACTN1-related condition. Last evaluated: 2026-02-11. Review status: criteria provided, single submitter. Criteria: ACMG Guidelines, 2015. Collection method: clinical testing. Allele origin: germline.
Comment: This variant is classified as likely benign based on ACMG/AMP sequence variant interpretation guidelines (Richards et al. 2015 PMID: 25741868, with internal and published modifications).